The following is an entry in ClinVar:

ClinVar aggregate classification (germline): Pathogenic/Likely pathogenic. Review status: criteria provided, multiple submitters, no conflicts (2 of 4 stars). 3 submissions from 3 submitters: Pathogenic (1); Likely pathogenic (2). Last evaluated 2023-10-10.

Conditions:
Mulibrey nanism syndrome. Also called: MUSCLE-LIVER-BRAIN-EYE NANISM; PERHEENTUPA SYNDROME; PERICARDIAL CONSTRICTION AND GROWTH FAILURE. Identifiers: Orphanet 2576, MedGen C0524582, MONDO:0009664, OMIM 253250.

Allele frequency attached by ClinVar (database versions not stated): gnomAD exomes below 0.00001.
gnomAD v4.1: 1 of 1,613,086 alleles (0.000062%); highest among the groups gnomAD compares: South Asian, 0.0011%; no homozygotes.

Submissions (3):

Baylor Genetics
Classification: Likely pathogenic for Mulibrey nanism syndrome. Last evaluated: 2023-10-10. Review status: criteria provided, single submitter. Criteria: ACMG Guidelines, 2015. Collection method: clinical testing. Allele origin: unknown.

Labcorp Genetics (formerly Invitae), Labcorp
Classification: Likely pathogenic. Last evaluated: 2023-05-12. Review status: criteria provided, single submitter. Criteria: Invitae Variant Classification Sherloc (09022015). Collection method: clinical testing. Allele origin: germline.
Comment: This sequence change affects an acceptor splice site in intron 5 of the TRIM37 gene. It is expected to disrupt RNA splicing. Variants that disrupt the donor or acceptor splice site typically lead to a loss of protein function (PMID: 16199547), and loss-of-function variants in TRIM37 are known to be pathogenic (PMID: 10888877, 15108285). This variant is present in population databases (no rsID available, gnomAD 0.003%). This variant has not been reported in the literature in individuals affected with TRIM37-related conditions. In summary, the currently available evidence indicates that the variant is pathogenic, but additional data are needed to prove that conclusively. Therefore, this variant has been classified as Likely Pathogenic. Algorithms developed to predict the effect of sequence changes on RNA splicing suggest that this variant may disrupt the consensus splice site.

Fetal Health Research Center, Hope Generation Foundation
Classification: Pathogenic for Mulibrey nanism syndrome. Review status: criteria provided, single submitter. Criteria: ACMG Guidelines, 2015. Collection method: research. Allele origin: germline. Inheritance: Autosomal recessive inheritance. Affected: yes.

Literature cited by the submitters: PubMed 16199547 (cited by Labcorp Genetics (formerly Invitae), Labcorp); PubMed 10888877 (cited by Labcorp Genetics (formerly Invitae), Labcorp); PubMed 15108285 (cited by Labcorp Genetics (formerly Invitae), Labcorp).

NM_015294.6(TRIM37):c.370-1G>A

Gene: TRIM37 (tripartite motif containing 37; minus strand). Cytogenetic location: 17q22.
Variant type: single nucleotide variant.
Coding change: c.370-1G>A on transcript NM_015294.6 (MANE Select); the canonical splice acceptor site of the intron before coding-DNA position 370, G replaced by A.
Molecular consequence: splice acceptor variant.
Genome position (GRCh38, 1-based): chr17:59,081,220, C>T on the plus strand (G>A on the coding strand, the complement: TRIM37 is on the minus strand). VCF-style: chr17-59081220-C-T. GRCh37 (hg19) VCF-style: chr17-57158581-C-T.
Other names: c.370-1G>A (NM_001320989.3, NM_001005207.5, NM_001353086.2 and 2 more transcripts); c.-93-1G>A (NM_001353085.2); c.268-1G>A (NM_001320987.3, NM_001353082.2); c.-383-1G>A (NM_001353083.2); c.4-1G>A (NM_001320990.3).
Identifiers: ClinVar variation 2573650 (VCV002573650.5), dbSNP rs1285784670, ClinGen allele CA400392090.
Genomic context (GRCh38, chr17:59,081,220, plus strand): 5'-CACTTTAGTGACGTGTTGCTCATAAATTTCTGCCAAAGGTTTAAAGGTATGTCCGCCATG[C>T]TATTTAAATTAGAGTAGCTTTAGAACACTTTCACATATCTCATCTGCATTTACATTCCTT-3'